The following is an entry in ClinVar:

ClinVar aggregate classification (germline): Uncertain significance. Review status: criteria provided, multiple submitters, no conflicts (2 of 4 stars). 2 submissions from 2 submitters: Uncertain significance (2). Last evaluated 2025-02-15.

Conditions:
Jeune thoracic dystrophy. Also called: Jeune syndrome; Infantile thoracic dystrophy; Thoracic pelvic phalangeal dystrophy; Jeune's syndrome; Chondroectodermal dysplasia-like syndrome; Short-rib thoracic dysplasia. Identifiers: Orphanet 474, MedGen C0265275, MONDO:0018770.
Inborn genetic diseases. Identifiers: MedGen C0950123, MeSH D030342.

gnomAD v4.1: 14 of 1,500,762 alleles (0.00093%); highest among the groups gnomAD compares: Admixed American, 0.017%; no homozygotes.

Submissions (2):

Ambry Genetics
Classification: Uncertain significance for Inborn genetic diseases. Last evaluated: 2025-02-15. Review status: criteria provided, single submitter. Criteria: Ambry Variant Classification Scheme 2023. Collection method: clinical testing. Allele origin: germline.

Labcorp Genetics (formerly Invitae), Labcorp
Classification: Uncertain significance for Jeune thoracic dystrophy. Last evaluated: 2025-01-20. Review status: criteria provided, single submitter. Criteria: Invitae Variant Classification Sherloc (09022015). Collection method: clinical testing. Allele origin: germline.
Comment: This sequence change replaces glutamine, which is neutral and polar, with arginine, which is basic and polar, at codon 1407 of the DYNC2H1 protein (p.Gln1407Arg). The frequency data for this variant in the population databases is considered unreliable, as metrics indicate poor data quality at this position in the gnomAD database. This variant has not been reported in the literature in individuals affected with DYNC2H1-related conditions. Invitae Evidence Modeling of protein sequence and biophysical properties (such as structural, functional, and spatial information, amino acid conservation, physicochemical variation, residue mobility, and thermodynamic stability) has been performed for this missense variant. However, the output from this modeling did not meet the statistical confidence thresholds required to predict the impact of this variant on DYNC2H1 protein function. In summary, the available evidence is currently insufficient to determine the role of this variant in disease. Therefore, it has been classified as a Variant of Uncertain Significance.

NM_001377.3(DYNC2H1):c.4220A>G (p.Gln1407Arg)

Gene: DYNC2H1 (dynein cytoplasmic 2 heavy chain 1; plus strand). Cytogenetic location: 11q22.3.
Variant type: single nucleotide variant.
Coding change: c.4220A>G on transcript NM_001377.3 (MANE Select); coding-DNA position 4220, A replaced by G.
Protein change: p.Gln1407Arg; replaces glutamine 1407 with arginine.
Molecular consequence: missense variant.
Genome position (GRCh38, 1-based): chr11:103,158,769, A>G. VCF-style: chr11-103158769-A-G. GRCh37 (hg19) VCF-style: chr11-103029498-A-G.
Other names: c.4220A>G, p.Gln1407Arg (NM_001080463.2); c.4220A>G (NM_001080463.1); short protein forms Q1407R.
Identifiers: ClinVar variation 3712909 (VCV003712909.2).